The following is an entry in ClinVar:

ClinVar aggregate classification (germline): Uncertain significance (1 of 4 stars; one submission).

Conditions:
MOGS-congenital disorder of glycosylation. Also called: GLUCOSIDASE I DEFICIENCY; CDG 2B; CDG IIb; MOGS-CDG. Identifiers: Orphanet 79330, MedGen C1853736, MONDO:0011629, OMIM 606056.

Submission:

Labcorp Genetics (formerly Invitae), Labcorp
Classification: Uncertain significance for MOGS-congenital disorder of glycosylation. Last evaluated: 2018-02-15. Review status: criteria provided, single submitter. Criteria: Invitae Variant Classification Sherloc (09022015). Collection method: clinical testing. Allele origin: germline.
Comment: In summary, the available evidence is currently insufficient to determine the role of this variant in disease. Therefore, it has been classified as a Variant of Uncertain Significance. Algorithms developed to predict the effect of missense changes on protein structure and function do not agree on the potential impact of this missense change (SIFT: "Deleterious"; PolyPhen-2: "Possibly Damaging"; Align-GVGD: "Class C0"). This variant has not been reported in the literature in individuals with MOGS-related disease. This variant is not present in population databases (ExAC no frequency). This sequence change replaces threonine with alanine at codon 826 of the MOGS protein (p.Thr826Ala). The threonine residue is moderately conserved and there is a small physicochemical difference between threonine and alanine.

NM_006302.3(MOGS):c.2476A>G (p.Thr826Ala)

Gene: MOGS (mannosyl-oligosaccharide glucosidase; minus strand). Cytogenetic location: 2p13.1.
Variant type: single nucleotide variant.
Coding change: c.2476A>G on transcript NM_006302.3 (MANE Select); coding-DNA position 2476, A replaced by G.
Protein change: p.Thr826Ala; replaces threonine 826 with alanine.
Molecular consequence: missense variant.
Genome position (GRCh38, 1-based): chr2:74,461,313, T>C on the plus strand (A>G on the coding strand, the complement: MOGS is on the minus strand). VCF-style: chr2-74461313-T-C. GRCh37 (hg19) VCF-style: chr2-74688440-T-C.
Other names: c.2476A>G, p.Thr826Ala (LRG_1226t1); c.2158A>G, p.Thr720Ala (NM_001146158.2); short protein forms T826A, T720A.
Identifiers: ClinVar variation 573235 (VCV000573235.8), dbSNP rs1558564232, ClinGen allele CA347365436.